The following is an entry in ClinVar:

ClinVar aggregate classification (germline): Likely benign (0 of 4 stars; one submission).

Conditions:
FAT3-related disorder. Also called: FAT3-related condition.

Allele frequency attached by ClinVar (database versions not stated): ESP Exome Variant Server 0.00040; gnomAD 0.00080; gnomAD exomes 0.00092; TOPMed 0.00092; ExAC 0.00183; 1000 Genomes Project 0.00220; 1000 Genomes Project 30x 0.00250.
gnomAD v4.1: 1,468 of 1,613,704 alleles (0.091%); highest among the groups gnomAD compares: South Asian, 0.54%; 9 homozygotes.

Submission:

PreventionGenetics, part of Exact Sciences
Classification: Likely benign for FAT3-related condition. Last evaluated: 2019-06-28. Review status: no assertion criteria provided. Collection method: clinical testing. Allele origin: germline.
Comment: This variant is classified as likely benign based on ACMG/AMP sequence variant interpretation guidelines (Richards et al. 2015 PMID: 25741868, with internal and published modifications).

NM_001367949.2(FAT3):c.7556G>A (p.Arg2519Gln)

Gene: FAT3 (FAT atypical cadherin 3; plus strand). Cytogenetic location: 11q14.3.
Variant type: single nucleotide variant.
Coding change: c.7556G>A on transcript NM_001367949.2 (MANE Select); coding-DNA position 7556, G replaced by A.
Protein change: p.Arg2519Gln; replaces arginine 2519 with glutamine.
Molecular consequence: missense variant.
Genome position (GRCh38, 1-based): chr11:92,800,569, G>A. VCF-style: chr11-92800569-G-A. GRCh37 (hg19) VCF-style: chr11-92533735-G-A.
Other names: c.7556G>A, p.Arg2519Gln (NM_001008781.3); short protein forms R2519Q.
Identifiers: ClinVar variation 3042494 (VCV003042494.2), dbSNP rs201507634, ClinGen allele CA6227476.